The following is an entry in ClinVar:

ClinVar aggregate classification (germline): Likely pathogenic (1 of 4 stars; one submission).

Submission:

Greenwood Genetic Center Diagnostic Laboratories, Greenwood Genetic Center
Classification: Likely pathogenic. Last evaluated: 2021-01-04. Review status: criteria provided, single submitter. Criteria: ACMG Guidelines, 2015. Collection method: clinical testing. Allele origin: germline. Affected: yes.
Comment: PS2, PP3, PM1, PM2

NM_001386135.1(AFF3):c.713T>C (p.Met238Thr)

Gene: AFF3 (ALF transcription elongation factor 3; minus strand). Cytogenetic location: 2q11.2.
Variant type: single nucleotide variant.
Coding change: c.713T>C on transcript NM_001386135.1 (MANE Select); coding-DNA position 713, T replaced by C.
Protein change: p.Met238Thr; replaces methionine 238 with threonine.
Molecular consequence: missense variant.
Genome position (GRCh38, 1-based): chr2:100,006,792, A>G on the plus strand (T>C on the coding strand, the complement: AFF3 is on the minus strand). VCF-style: chr2-100006792-A-G. GRCh37 (hg19) VCF-style: chr2-100623254-A-G.
Other names: c.788T>C, p.Met263Thr (NM_001025108.2); c.713T>C, p.Met238Thr (NM_002285.3); short protein forms M238T, M263T.
Identifiers: ClinVar variation 1331568 (VCV001331568.4), dbSNP rs1682014084, ClinGen allele CA347963726.